The following is an entry in ClinVar:

NM_000182.5(HADHA):c.1621-7T>C

Genes: GAREM2 (GRB2 associated regulator of MAPK1 subtype 2; plus strand), HADHA (hydroxyacyl-CoA dehydrogenase trifunctional multienzyme complex subunit alpha; minus strand). Cytogenetic location: 2p23.3.
Variant type: single nucleotide variant.
Coding change: c.1621-7T>C on transcript NM_000182.5 (MANE Select); 7 bases into the intron before coding-DNA position 1621, T replaced by C.
Molecular consequence: intron variant.
Genome position (GRCh38, 1-based): chr2:26,194,645, A>G on the plus strand (T>C on the coding strand, the complement: HADHA is on the minus strand). VCF-style: chr2-26194645-A-G. GRCh37 (hg19) VCF-style: chr2-26417514-A-G.
Identifiers: ClinVar variation 750808 (VCV000750808.13), dbSNP rs774272303, ClinGen allele CA1559507.

ClinVar aggregate classification (germline): Likely benign. Review status: criteria provided, single submitter (1 of 4 stars). 3 submissions from 3 submitters: Likely benign (1). 2 of the submissions do not count toward it. Last evaluated 2025-08-01.

Conditions:
HADHA-related disorder. Also called: HADHA-related disorders; HADHA-related condition.
Long chain 3-hydroxyacyl-CoA dehydrogenase deficiency. Also called: Deficiency of long-chain 3-hydroxyacyl-coenzyme A dehydrogenase; LCHAD Deficiency. Identifiers: Orphanet 5, MedGen C3711645, MONDO:0012173, OMIM 609016.
Mitochondrial trifunctional protein deficiency. Identifiers: Orphanet 746, MedGen C1969443, MONDO:0012172.

Allele frequency attached by ClinVar (database versions not stated): TOPMed below 0.00001; gnomAD 0.00001; gnomAD exomes 0.00002 and 0.00003; ExAC 0.00004.
gnomAD v4.1: 37 of 1,600,518 alleles (0.0023%); highest among the groups gnomAD compares: Middle Eastern, 0.037%; no homozygotes.

Submissions (3):

Labcorp Genetics (formerly Invitae), Labcorp
Classification: Likely benign for Mitochondrial trifunctional protein deficiency; Long chain 3-hydroxyacyl-CoA dehydrogenase deficiency. Last evaluated: 2025-08-01. Review status: criteria provided, single submitter. Criteria: Invitae Variant Classification Sherloc (09022015). Collection method: clinical testing. Allele origin: germline.

Natera, Inc.
Classification: Uncertain significance for Deficiency of long-chain 3-hydroxyacyl-coenzyme A dehydrogenase. Last evaluated: 2020-01-17. Review status: no assertion criteria provided. Collection method: clinical testing. Allele origin: germline. Not counted in ClinVar's aggregate classification.

PreventionGenetics, part of Exact Sciences
Classification: Likely benign for HADHA-related condition. Last evaluated: 2019-03-20. Review status: no assertion criteria provided. Collection method: clinical testing. Allele origin: germline. Not counted in ClinVar's aggregate classification.
Comment: This variant is classified as likely benign based on ACMG/AMP sequence variant interpretation guidelines (Richards et al. 2015 PMID: 25741868, with internal and published modifications).